The following is an entry in ClinVar:

NM_000256.3(MYBPC3):c.2906-7C>T

Gene: MYBPC3 (myosin binding protein C3; minus strand). Cytogenetic location: 11p11.2.
Variant type: single nucleotide variant.
Coding change: c.2906-7C>T on transcript NM_000256.3 (MANE Select); 7 bases into the intron before coding-DNA position 2906, C replaced by T.
Molecular consequence: intron variant.
Genome position (GRCh38, 1-based): chr11:47,334,017, G>A on the plus strand (C>T on the coding strand, the complement: MYBPC3 is on the minus strand). VCF-style: chr11-47334017-G-A. GRCh37 (hg19) VCF-style: chr11-47355568-G-A.
Identifiers: ClinVar variation 227567 (VCV000227567.12), dbSNP rs876657512, ClinGen allele CA10576884.
Genomic context (GRCh38, chr11:47,334,017, plus strand): 5'-CCTTCTTCTGAATGGTCTGGCGCAGGTGCCTGGGCAGCTGAAGCCGTGGCCGTTCTGTGG[G>A]TATAGAGTGGGTAGCTAAGTGAGGGCCCGCCACAGCTCTGAGGGGCTCCACAGCTCCAAC-3'

ClinVar aggregate classification (germline): Likely benign. Review status: criteria provided, multiple submitters, no conflicts (2 of 4 stars). 3 submissions from 3 submitters: Likely benign (3). Last evaluated 2025-04-14.

Conditions:
Hypertrophic cardiomyopathy. Also called: HYPERTROPHIC MYOCARDIOPATHY. Identifiers: Orphanet 217569, MedGen C0007194, MeSH D002312, MONDO:0005045, HP:0001639.

Allele frequency attached by ClinVar (database versions not stated): gnomAD exomes 0.00001; TOPMed below 0.00001; gnomAD 0.00001.
gnomAD v4.1: 10 of 1,570,126 alleles (0.00064%); highest among the groups gnomAD compares: Non-Finnish European, 0.00086%; 1 homozygote.

Submissions (3):

Labcorp Genetics (formerly Invitae), Labcorp
Classification: Likely benign for Hypertrophic cardiomyopathy. Last evaluated: 2025-04-14. Review status: criteria provided, single submitter. Criteria: Invitae Variant Classification Sherloc (09022015). Collection method: clinical testing. Allele origin: germline.

All of Us Research Program, National Institutes of Health
Classification: Likely benign for Hypertrophic cardiomyopathy. Last evaluated: 2023-02-15. Review status: criteria provided, single submitter. Criteria: ACMG Guidelines, 2015. Collection method: clinical testing. Allele origin: germline. Inheritance: Autosomal dominant inheritance. Observed: 1 variant allele, 1 heterozygote.
Comment: This study involves interpretation of variants in research participants for the purpose of population health screening. Participant phenotype was not available at the time of variant classification. Additional details can be found in publication PMID: 35346344, PMCID: PMC8962531

Laboratory for Molecular Medicine, Mass General Brigham Personalized Medicine
Classification: Likely benign. Last evaluated: 2014-12-29. Review status: criteria provided, single submitter. Criteria: LMM Criteria. Collection method: clinical testing. Allele origin: germline. Observed: 1 variant allele.
Comment: c.2906-7C>T in intron 27 of MYBPC3: This variant is not expected to have clinica l significance because a C>T change at this position does not diverge from the s plice consensus sequence and is therefore unlikely to impact splicing.